The following is an entry in ClinVar:

ClinVar aggregate classification (germline): Uncertain significance. Review status: criteria provided, multiple submitters, no conflicts (2 of 4 stars). 4 submissions from 4 submitters: Uncertain significance (3). 1 of the submissions does not count toward it. Last evaluated 2026-02-03.

Conditions:
TERT-related disorder. Also called: TERT-related disorders; TERT-related condition.
Dyskeratosis congenita. Identifiers: Orphanet 1775, MedGen C0265965, MONDO:0015780.
Dyskeratosis congenita, autosomal dominant 2. Identifiers: MedGen C3151443, MONDO:0013521, OMIM 613989.
Idiopathic Pulmonary Fibrosis. Also called: Idiopathic fibrosing alveolitis, chronic form; idiopathic fibrosing alveolitis. Identifiers: Orphanet 2032, MedGen C1800706, MeSH D054990, MONDO:0800504.

Allele frequency attached by ClinVar (database versions not stated): gnomAD exomes below 0.00001; TOPMed 0.00001.
gnomAD v4.1: 2 of 1,559,630 alleles (0.00013%); highest among the groups gnomAD compares: Non-Finnish European, 0.00017%; no homozygotes.

Submissions (4):

Ambry Genetics
Classification: Uncertain significance for Dyskeratosis congenita. Last evaluated: 2026-02-03. Review status: criteria provided, single submitter. Criteria: Ambry Variant Classification Scheme 2023. Collection method: clinical testing. Allele origin: germline.
Comment: The p.A678T variant (also known as c.2032G>A), located in coding exon 5 of the TERT gene, results from a G to A substitution at nucleotide position 2032. The alanine at codon 678 is replaced by threonine, an amino acid with similar properties. This amino acid position is well conserved in available vertebrate species. In addition, the in silico prediction for this alteration is inconclusive. Based on the available evidence, the clinical significance of this variant remains unclear.

Labcorp Genetics (formerly Invitae), Labcorp
Classification: Uncertain significance for Dyskeratosis congenita, autosomal dominant 2; Idiopathic Pulmonary Fibrosis. Last evaluated: 2023-05-27. Review status: criteria provided, single submitter. Criteria: Invitae Variant Classification Sherloc (09022015). Collection method: clinical testing. Allele origin: germline.
Comment: In summary, the available evidence is currently insufficient to determine the role of this variant in disease. Therefore, it has been classified as a Variant of Uncertain Significance. Advanced modeling of protein sequence and biophysical properties (such as structural, functional, and spatial information, amino acid conservation, physicochemical variation, residue mobility, and thermodynamic stability) performed at Invitae indicates that this missense variant is expected to disrupt TERT protein function. ClinVar contains an entry for this variant (Variation ID: 1514837). This variant has not been reported in the literature in individuals affected with TERT-related conditions. This variant is not present in population databases (gnomAD no frequency). This sequence change replaces alanine, which is neutral and non-polar, with threonine, which is neutral and polar, at codon 678 of the TERT protein (p.Ala678Thr).

GeneDx
Classification: Uncertain significance. Last evaluated: 2022-11-30. Review status: criteria provided, single submitter. Criteria: GeneDx Variant Classification Process June 2021. Collection method: clinical testing. Allele origin: germline. Affected: yes.
Comment: Not observed at significant frequency in large population cohorts (gnomAD); In silico analysis supports that this missense variant does not alter protein structure/function; Has not been previously published as pathogenic or benign to our knowledge; This variant is associated with the following publications: (PMID: ten Klooster 1982[dissertation thesis])

PreventionGenetics, part of Exact Sciences
Classification: Uncertain significance for TERT-related condition. Last evaluated: 2024-05-01. Review status: no assertion criteria provided. Collection method: clinical testing. Allele origin: germline. Not counted in ClinVar's aggregate classification.
Comment: The TERT c.2032G>A variant is predicted to result in the amino acid substitution p.Ala678Thr. To our knowledge, this variant has not been reported in the literature or in a large population database, indicating this variant is rare. At this time, the clinical significance of this variant is uncertain due to the absence of conclusive functional and genetic evidence.

NM_198253.3(TERT):c.2032G>A (p.Ala678Thr)

Gene: TERT (telomerase reverse transcriptase; minus strand). Cytogenetic location: 5p15.33.
Variant type: single nucleotide variant.
Coding change: c.2032G>A on transcript NM_198253.3 (MANE Select); coding-DNA position 2032, G replaced by A.
Protein change: p.Ala678Thr; replaces alanine 678 with threonine.
Molecular consequence: missense variant. On other transcripts: non-coding transcript variant (2).
Genome position (GRCh38, 1-based): chr5:1,279,389, C>T on the plus strand (G>A on the coding strand, the complement: TERT is on the minus strand). VCF-style: chr5-1279389-C-T. GRCh37 (hg19) VCF-style: chr5-1279504-C-T.
Other names: c.2032G>A (NM_198253.2); c.2032G>A, p.Ala678Thr (NM_001193376.3); short protein forms A678T.
Identifiers: ClinVar variation 1514837 (VCV001514837.9), dbSNP rs1278095401, ClinGen allele CA359080351.